The following is an entry in ClinVar:

ClinVar aggregate classification (germline): Uncertain significance (1 of 4 stars; one submission).

Conditions:
Myopathy, tubular aggregate, 2 (TAM2). Identifiers: MedGen C4014557, MONDO:0014383, OMIM 615883.
Combined immunodeficiency due to ORAI1 deficiency. Also called: IMMUNODEFICIENCY 9. Identifiers: Orphanet 169090, Orphanet 317428, MedGen C2748568, MONDO:0013007, OMIM 612782.

Allele frequency attached by ClinVar (database versions not stated): TOPMed 0.00001.

Submission:

Labcorp Genetics (formerly Invitae), Labcorp
Classification: Uncertain significance for Myopathy, tubular aggregate, 2; Combined immunodeficiency due to ORAI1 deficiency. Last evaluated: 2025-02-27. Review status: criteria provided, single submitter. Criteria: Invitae Variant Classification Sherloc (09022015). Collection method: clinical testing. Allele origin: germline.
Comment: This sequence change replaces proline, which is neutral and non-polar, with serine, which is neutral and polar, at codon 8 of the ORAI1 protein (p.Pro8Ser). This variant is not present in population databases (gnomAD no frequency). This variant has not been reported in the literature in individuals affected with ORAI1-related conditions. ClinVar contains an entry for this variant (Variation ID: 937657). Experimental studies and prediction algorithms are not available or were not evaluated, and the functional significance of this variant is currently unknown. In summary, the available evidence is currently insufficient to determine the role of this variant in disease. Therefore, it has been classified as a Variant of Uncertain Significance.

NC_000012.12:g.121626764C>T

Genes: ORAI1 (ORAI calcium release-activated calcium modulator 1; plus strand), LOC130008987 (ATAC-STARR-seq lymphoblastoid silent region 4981; plus strand). Cytogenetic location: 12q24.31.
Variant type: single nucleotide variant.
Genome position: GRCh38 VCF-style: chr12-121626764-C-T. GRCh37 (hg19) VCF-style: chr12-122064669-C-T.
Other names: c.22C>T, p.Pro8Ser (NM_032790.4); short protein forms P8S.
Identifiers: ClinVar variation 937657 (VCV000937657.6), dbSNP rs1356450700, ClinGen allele CA386980283.